The following is an entry in ClinVar:

NM_005557.4(KRT16):c.1367G>A (p.Arg456Gln)

Gene: KRT16 (keratin 16; minus strand). Cytogenetic location: 17q21.2.
Variant type: single nucleotide variant.
Coding change: c.1367G>A on transcript NM_005557.4 (MANE Select); coding-DNA position 1367, G replaced by A.
Protein change: p.Arg456Gln; replaces arginine 456 with glutamine.
Molecular consequence: missense variant.
Genome position (GRCh38, 1-based): chr17:41,609,990, C>T on the plus strand (G>A on the coding strand, the complement: KRT16 is on the minus strand). VCF-style: chr17-41609990-C-T. GRCh37 (hg19) VCF-style: chr17-39766242-C-T.
Other names: short protein forms R456Q.
Identifiers: ClinVar variation 3707097 (VCV003707097.2).

ClinVar aggregate classification (germline): Uncertain significance (1 of 4 stars; one submission).

gnomAD v4.1: 39 of 1,611,694 alleles (0.0024%); highest among the groups gnomAD compares: Non-Finnish European, 0.003%; no homozygotes.

Submission:

Labcorp Genetics (formerly Invitae), Labcorp
Classification: Uncertain significance. Last evaluated: 2024-08-09. Review status: criteria provided, single submitter. Criteria: Invitae Variant Classification Sherloc (09022015). Collection method: clinical testing. Allele origin: germline.
Comment: This sequence change replaces arginine, which is basic and polar, with glutamine, which is neutral and polar, at codon 456 of the KRT16 protein (p.Arg456Gln). This variant is present in population databases (rs140398655, gnomAD 0.006%). This variant has not been reported in the literature in individuals affected with KRT16-related conditions. Advanced modeling of protein sequence and biophysical properties (such as structural, functional, and spatial information, amino acid conservation, physicochemical variation, residue mobility, and thermodynamic stability) performed at Invitae indicates that this missense variant is not expected to disrupt KRT16 protein function with a negative predictive value of 95%. In summary, the available evidence is currently insufficient to determine the role of this variant in disease. Therefore, it has been classified as a Variant of Uncertain Significance.